The following is an entry in ClinVar:

NM_006197.4(PCM1):c.647T>C (p.Ile216Thr)

Gene: PCM1 (pericentriolar material 1; plus strand). Cytogenetic location: 8p22.
Variant type: single nucleotide variant.
Coding change: c.647T>C on transcript NM_006197.4 (MANE Select); coding-DNA position 647, T replaced by C.
Protein change: p.Ile216Thr; replaces isoleucine 216 with threonine.
Molecular consequence: missense variant. On other transcripts: non-coding transcript variant (1).
Genome position (GRCh38, 1-based): chr8:17,939,725, T>C. VCF-style: chr8-17939725-T-C. GRCh37 (hg19) VCF-style: chr8-17797234-T-C.
Other names: c.647T>C, p.Ile216Thr (NM_001315507.2, NM_001315508.2, NM_001352632.2 and 28 more transcripts); short protein forms I216T.
Identifiers: ClinVar variation 4992572 (VCV004992572.1).

ClinVar aggregate classification (germline): Uncertain significance (1 of 4 stars; one submission).

Conditions:
PCM1-related disorder. Also called: PCM1-related condition.

Submission:

PreventionGenetics, part of Exact Sciences
Classification: Uncertain significance for PCM1-related condition. Last evaluated: 2026-07-13. Review status: criteria provided, single submitter. Criteria: ACMG Guidelines, 2015. Collection method: clinical testing. Allele origin: germline.
Comment: The PCM1 c.647T>C variant is predicted to result in the amino acid substitution p.Ile216Thr. To our knowledge, this variant has not been reported in the literature or in a large population database (gnomAD), indicating this variant is rare. At this time, the clinical significance of this variant is uncertain due to the absence of conclusive functional and genetic evidence.